The following is an entry in ClinVar:

NM_001009944.3(PKD1):c.1105_1106del (p.Gln368_Ser369insTer)

Gene: PKD1 (polycystin 1, transient receptor potential channel interacting; minus strand). Cytogenetic location: 16p13.3.
Variant type: Microsatellite.
Coding change: c.1105_1106del on transcript NM_001009944.3 (MANE Select); coding-DNA positions 1105 to 1106, 2 bases deleted (AG; older notation c.1105_1106delAG).
Protein change: p.Gln368_Ser369insTer.
Molecular consequence: nonsense.
Genome position (GRCh38, 1-based): chr16:2,117,886-2,117,887, CT deleted on the plus strand (AG on the coding strand, the reverse complement: PKD1 is on the minus strand); deleting any 2 consecutive bases within chr16:2,117,886-2,117,889 gives the same sequence; the c. name uses the placement nearest the transcript's 3' end. VCF-style (leftmost placement, unchanged base first): chr16-2117885-ACT-A. GRCh37 (hg19) VCF-style: chr16-2167886-ACT-A.
Other names: c.1105_1106del, p.Gln368_Ser369insTer (NM_000296.4).
Identifiers: ClinVar variation 2684295 (VCV002684295.3), dbSNP rs2544877719, ClinGen allele CA2695221786.

ClinVar aggregate classification (germline): Pathogenic. Review status: criteria provided, multiple submitters, no conflicts (2 of 4 stars). 3 submissions from 3 submitters: Pathogenic (3). Last evaluated 2024-01-08.

Conditions:
Polycystic kidney disease, adult type (PKD1). Also called: Polycystic Kidney, Autosomal Dominant; Polycystic Kidney Disease 1, Autosomal Dominant; Polycystic kidney disease 1; Polycystic kidney disease 1, severe; POLYCYSTIC KIDNEY DISEASE, ADULT, TYPE I; POLYCYSTIC KIDNEY DISEASE 1 WITH OR WITHOUT POLYCYSTIC LIVER DISEASE. Identifiers: MedGen C3149841, MONDO:0008263, OMIM 173900.
PKD1-related disorder. Also called: PKD1-related condition.

Submissions (3):

Fulgent Genetics
Classification: Pathogenic for Polycystic kidney disease, adult type. Last evaluated: 2024-01-08. Review status: criteria provided, single submitter. Criteria: ACMG Guidelines, 2015. Collection method: clinical testing. Allele origin: germline.

Athena Diagnostics
Classification: Pathogenic. Last evaluated: 2023-06-28. Review status: criteria provided, single submitter. Criteria: Athena Diagnostics Criteria. Collection method: clinical testing. Allele origin: unknown.
Comment: This variant is expected to result in the loss of a functional protein. This variant has been identified in at least one individual with clinical features associated with this gene. This variant has not been reported in large, multi-ethnic general populations.

Blueprint Genetics
Classification: Pathogenic for PKD1-related disorders. Last evaluated: 2021-11-06. Review status: criteria provided, single submitter. Criteria: ACMG Guidelines, 2015. Collection method: clinical testing. Allele origin: germline. Affected: yes. Observed: 1 variant allele.